The following is an entry in ClinVar:

NM_003722.5(TP63):c.313G>A (p.Asp105Asn)

Gene: TP63 (tumor protein p63; plus strand). Cytogenetic location: 3q28.
Variant type: single nucleotide variant.
Coding change: c.313G>A on transcript NM_003722.5 (MANE Select); coding-DNA position 313, G replaced by A.
Protein change: p.Asp105Asn; replaces aspartic acid 105 with asparagine.
Molecular consequence: missense variant.
Genome position (GRCh38, 1-based): chr3:189,738,763, G>A. VCF-style: chr3-189738763-G-A. GRCh37 (hg19) VCF-style: chr3-189456552-G-A.
Other names: c.313G>A, p.Asp105Asn (NM_001114978.2, NM_001114979.2, NM_001329144.2 and 1 more transcripts); c.307G>A, p.Asp103Asn (NM_001329964.2); short protein forms D103N, D105N.
Identifiers: ClinVar variation 2052976 (VCV002052976.3), dbSNP rs2474135153, ClinGen allele CA355859349.

ClinVar aggregate classification (germline): Uncertain significance (1 of 4 stars; one submission).

Conditions:
TP63-Related Spectrum Disorders.

Submission:

Labcorp Genetics (formerly Invitae), Labcorp
Classification: Uncertain significance. Last evaluated: 2021-12-22. Review status: criteria provided, single submitter. Criteria: Invitae Variant Classification Sherloc (09022015). Collection method: clinical testing. Allele origin: germline.
Comment: This sequence change replaces aspartic acid, which is acidic and polar, with asparagine, which is neutral and polar, at codon 105 of the TP63 protein (p.Asp105Asn). This variant is not present in population databases (gnomAD no frequency). This variant has not been reported in the literature in individuals affected with TP63-related conditions. Algorithms developed to predict the effect of missense changes on protein structure and function are either unavailable or do not agree on the potential impact of this missense change (SIFT: "Deleterious"; PolyPhen-2: "Benign"; Align-GVGD: "Class C0"). In summary, the available evidence is currently insufficient to determine the role of this variant in disease. Therefore, it has been classified as a Variant of Uncertain Significance.